The following is an entry in ClinVar:

NM_001127208.3(TET2):c.1711C>G (p.Arg571Gly)

Genes: TET2 (tet methylcytosine dioxygenase 2; plus strand), TET2-AS1 (TET2 antisense RNA 1; minus strand). Cytogenetic location: 4q24.
Variant type: single nucleotide variant.
Coding change: c.1711C>G on transcript NM_001127208.3 (MANE Select); coding-DNA position 1711, C replaced by G.
Protein change: p.Arg571Gly; replaces arginine 571 with glycine.
Molecular consequence: missense variant.
Genome position (GRCh38, 1-based): chr4:105,235,653, C>G. VCF-style: chr4-105235653-C-G. GRCh37 (hg19) VCF-style: chr4-106156810-C-G.
Other names: c.1711C>G, p.Arg571Gly (NM_017628.4); short protein forms R571G.
Identifiers: ClinVar variation 4825021 (VCV004825021.1).

ClinVar aggregate classification (germline): Uncertain significance (1 of 4 stars; one submission).

gnomAD v4.1: 1 of 1,614,040 alleles (0.000062%); highest among the groups gnomAD compares: Non-Finnish European, 0.000085%; no homozygotes.

Submission:

Ambry Genetics
Classification: Uncertain significance. Last evaluated: 2026-02-17. Review status: criteria provided, single submitter. Criteria: Ambry Variant Classification Scheme 2023. Collection method: clinical testing. Allele origin: germline.
Comment: The p.R571G variant (also known as c.1711C>G), located in coding exon 1 of the TET2 gene, results from a C to G substitution at nucleotide position 1711. The arginine at codon 571 is replaced by glycine, an amino acid with dissimilar properties. This amino acid position is conserved. In addition, this alteration is predicted to be tolerated by in silico analysis. Based on the available evidence, the clinical significance of this variant remains unclear.